The following is an entry in ClinVar:

NM_015404.4(WHRN):c.-204C>G

Gene: WHRN (whirlin; minus strand). Cytogenetic location: 9q32.
Variant type: single nucleotide variant.
Coding change: c.-204C>G on transcript NM_015404.4 (MANE Select); 204 bases upstream of the start codon, C replaced by G.
Molecular consequence: 5 prime UTR variant.
Genome position (GRCh38, 1-based): chr9:114,505,005, G>C on the plus strand (C>G on the coding strand, the complement: WHRN is on the minus strand). VCF-style: chr9-114505005-G-C. GRCh37 (hg19) VCF-style: chr9-117267285-G-C.
Other names: c.-204C>G (NM_001173425.2).
Identifiers: ClinVar variation 912708 (VCV000912708.6), dbSNP rs145985595, ClinGen allele CA16372648.
Genomic context (GRCh38, chr9:114,505,005, plus strand): 5'-GCTGGATCCTAGGGGGTCGCGGAGACCGCTGCTAGAGTCCCGGAGGCGCGAAGACGGCGG[G>C]GGTCGCGAACCTGGAATCCGGGGGACGCGGAGACGTCGGCGGGTTCCTGAGAGACACAAG-3'

ClinVar aggregate classification (germline): Conflicting classifications of pathogenicity. Review status: criteria provided, conflicting classifications (1 of 4 stars). 3 submissions from 2 submitters: Uncertain significance (1); Benign (2). Last evaluated 2018-11-11.

Conditions:
Autosomal recessive nonsyndromic hearing loss 31. Also called: WHIRLER, MOUSE, HOMOLOG OF. Identifiers: Orphanet 90636, MedGen C1846839, MONDO:0011767, OMIM 607084.
Usher syndrome type 2D. Also called: USHER SYNDROME, TYPE IID. Identifiers: Orphanet 231178, Orphanet 886, MedGen C1568249, MONDO:0012662, OMIM 611383.

Allele frequency attached by ClinVar (database versions not stated): gnomAD exomes 0.00197; gnomAD 0.02340 and 0.02512; 1000 Genomes Project 0.02516; TOPMed 0.02623; 1000 Genomes Project 30x 0.02701.
gnomAD v4.1: 4,725 of 706,626 alleles (0.67%); highest among the groups gnomAD compares: African/African-American, 8%; 184 homozygotes.

Submissions (3):

GeneDx
Classification: Benign. Last evaluated: 2018-11-11. Review status: criteria provided, single submitter. Criteria: GeneDx Variant Classification Process June 2021. Collection method: clinical testing. Allele origin: germline. Affected: yes.

Illumina Laboratory Services, Illumina
Classification: Benign for Usher syndrome type 2D. Last evaluated: 2017-04-27. Review status: criteria provided, single submitter. Criteria: ICSL Variant Classification Criteria 13 December 2019. Collection method: clinical testing. Allele origin: germline.
Comment: This variant was observed as part of a predisposition screen in an ostensibly healthy population. A literature search was performed for the gene, cDNA change, and amino acid change (where applicable). No publications were found based on this search. Allele frequency data from public databases was too high to be consistent with this variant causing disease. Therefore, this variant is classified as benign.

Illumina Laboratory Services, Illumina
Classification: Uncertain significance for Autosomal recessive nonsyndromic hearing loss 31. Last evaluated: 2017-04-27. Review status: criteria provided, single submitter. Criteria: ICSL Variant Classification Criteria 13 December 2019. Collection method: clinical testing. Allele origin: germline.